The following is an entry in ClinVar:

NM_000302.4(PLOD1):c.1927G>A (p.Val643Ile)

Gene: PLOD1 (procollagen-lysine,2-oxoglutarate 5-dioxygenase 1; plus strand). Cytogenetic location: 1p36.22.
Variant type: single nucleotide variant.
Coding change: c.1927G>A on transcript NM_000302.4 (MANE Select); coding-DNA position 1927, G replaced by A.
Protein change: p.Val643Ile; replaces valine 643 with isoleucine.
Molecular consequence: missense variant.
Genome position (GRCh38, 1-based): chr1:11,972,896, G>A. VCF-style: chr1-11972896-G-A. GRCh37 (hg19) VCF-style: chr1-12032953-G-A.
Other names: c.2068G>A, p.Val690Ile (NM_001316320.2); short protein forms V643I, V690I.
Identifiers: ClinVar variation 263957 (VCV000263957.77), dbSNP rs149425237, ClinGen allele CA598615.
Genomic context (GRCh38, chr1:11,972,896, plus strand): 5'-TAACACGGGCTCTCTTGTCCCCCTGCCTTGGTACAGGCCCAGTTTGACCTGGCCTTTGTC[G>A]TCCGCTACAAGCCTGATGAGCAGCCCTCACTGATGCCACACCATGATGCCTCCACCTTCA-3'
Protein context (NP_000293.2, residues 633-653): TRAQFDLAFV[Val643Ile]RYKPDEQPSL

ClinVar aggregate classification (germline): Conflicting classifications of pathogenicity. Review status: criteria provided, conflicting classifications (1 of 4 stars). 12 submissions from 12 submitters: Uncertain significance (6); Likely benign (6). Last evaluated 2026-01-27.

Conditions:
Cardiovascular phenotype. Identifiers: MedGen CN230736.
Familial thoracic aortic aneurysm and aortic dissection (TAAD). Also called: Thoracic aortic aneurysms and dissections. Identifiers: Orphanet 91387, MedGen C4707243, MONDO:0019625.
Ehlers-Danlos syndrome, kyphoscoliotic type 1 (EDSKSCL1). Also called: PLOD1-Related Kyphoscoliotic Ehlers-Danlos Syndrome; EHLERS-DANLOS SYNDROME, TYPE VIA; EHLERS-DANLOS SYNDROME, OCULAR-SCOLIOTIC TYPE; Ehlers-Danlos syndrome, hydroxylysine-deficient. Identifiers: Orphanet 1900, MedGen C0268342, MONDO:0016002, OMIM 225400. Disease mechanism: loss of function.

Allele frequency attached by ClinVar (database versions not stated): 1000 Genomes Project 30x 0.00016; 1000 Genomes Project 0.00020; gnomAD exomes 0.00053 and 0.00096; gnomAD 0.00057; ExAC 0.00063; TOPMed 0.00071; ESP Exome Variant Server 0.00100.
gnomAD v4.1: 1,475 of 1,613,980 alleles (0.091%); highest among the groups gnomAD compares: Non-Finnish European, 0.12%; 1 homozygote.

Submissions (12):

Labcorp Genetics (formerly Invitae), Labcorp
Classification: Likely benign for Ehlers-Danlos syndrome, kyphoscoliotic type 1. Last evaluated: 2026-01-27. Review status: criteria provided, single submitter. Criteria: Invitae Variant Classification Sherloc (09022015). Collection method: clinical testing. Allele origin: germline.

Women's Health and Genetics/Laboratory Corporation of America, LabCorp
Classification: Uncertain significance. Last evaluated: 2026-01-05. Review status: criteria provided, single submitter. Criteria: LabCorp Variant Classification Summary - May 2015. Collection method: clinical testing. Allele origin: germline.
Comment: Variant summary: PLOD1 c.1927G>A (p.Val643Ile) results in a conservative amino acid change located in the oxoglutarate/iron-dependent dioxygenase domain (IPR005123) of the encoded protein sequence. Algorithms developed to predict the effect of missense changes on protein structure and function are either unavailable or do not agree on the potential impact of this missense change. The variant allele was found at a frequency of 0.00091 in 1613980 control chromosomes, predominantly at a frequency of 0.0012 within the Non-Finnish European subpopulation in the gnomAD database. This frequency is not significantly higher than estimated for a pathogenic variant in PLOD1 causing Ehlers-Danlos Syndrome Type VI (0.00091 vs 0.0016), allowing no conclusion about variant significance. c.1927G>A has been reported in the literature in at least one family affected with high myopia (Kloss_2017) and an individual with pediatric moyamoya angiopathy who also had a pathogenic varinat in NF1 (Zanoni_2023), however these report(s) do not provide unequivocal conclusions about association of the variant with Ehlers-Danlos Syndrome Type VI. Co-occurrences with other pathogenic variant(s) have been reported (NF1 c.4971_4977del, p.(Tyr1657*)), providing supporting evidence for a benign role (Zanoni_2023). To our knowledge, no experimental evidence demonstrating an impact on protein function has been reported. The following publications have been ascertained in the context of this evaluation (PMID: 28384719, 37012328). ClinVar contains an entry for this variant (Variation ID: 263957). Based on the evidence outlined above, the variant was classified as uncertain significance.

Molecular Diagnostic Laboratory for Inherited Cardiovascular Disease, Montreal Heart Institute
Classification: Uncertain significance for Cardiovascular phenotype. Last evaluated: 2025-04-09. Review status: criteria provided, single submitter. Criteria: ACMG Guidelines, 2015. Collection method: clinical testing. Allele origin: germline. Affected: yes.

Blueprint Genetics
Classification: Likely benign. Last evaluated: 2024-10-11. Review status: criteria provided, single submitter. Criteria: ACMG Guidelines, 2015. Collection method: clinical testing. Allele origin: germline.

Mayo Clinic Laboratories, Mayo Clinic
Classification: Likely benign. Last evaluated: 2024-09-19. Review status: criteria provided, single submitter. Criteria: ACMG Guidelines, 2015. Collection method: clinical testing. Allele origin: germline. Observed: 11 variant alleles.
Comment: BS1

Centre of Medical Genetics, University of Antwerp
Classification: Uncertain significance for Familial thoracic aortic aneurysm and aortic dissection. Last evaluated: 2024-09-06. Review status: criteria provided, single submitter. Criteria: ACMG Guidelines, 2015. Collection method: clinical testing. Allele origin: germline. Affected: yes.

CeGaT Center for Human Genetics Tuebingen
Classification: Likely benign. Last evaluated: 2024-09-01. Review status: criteria provided, single submitter. Criteria: CeGaT Center For Human Genetics Tuebingen Variant Classification Criteria Version 2. Collection method: clinical testing. Allele origin: germline. Affected: yes. Observed: 2 variant alleles.
Comment: PLOD1: PP3, BS2

ARUP Laboratories, Molecular Genetics and Genomics, ARUP Laboratories
Classification: Uncertain significance for Ehlers-Danlos syndrome, kyphoscoliotic type 1. Last evaluated: 2021-05-10. Review status: criteria provided, single submitter. Criteria: ARUP Molecular Germline Variant Investigation Process 2021. Collection method: clinical testing. Allele origin: germline.
Comment: The PLOD1 c.1927G>A; p.Val643Ile variant (rs149425237) is reported in the literature in a family affected with high myopia, though it was not demonstrated to be disease-causing (Kloss 2017). This variant is reported in ClinVar (Variation ID: 263957) and is found in the general population with an overall allele frequency of 0.05% (152/282864 alleles, including one homozygote) in the Genome Aggregation Database. The valine at codon 643 is highly conserved and computational analyses are uncertain whether this variant is neutral or deleterious (REVEL: 0.488). However, given the lack of clinical and functional data, the significance of the p.Val643Ile variant is uncertain at this time. References: Kloss BA et al. Exome Sequence Analysis of 14 Families With High Myopia. Invest Ophthalmol Vis Sci. 2017 Apr 1;58(4):1982-1990. PMID: 28384719.

Ambry Genetics
Classification: Likely benign for Familial thoracic aortic aneurysm and aortic dissection. Last evaluated: 2021-04-27. Review status: criteria provided, single submitter. Criteria: Ambry Variant Classification Scheme 2023. Collection method: clinical testing. Allele origin: germline.

Center for Genomics, Ann and Robert H. Lurie Children's Hospital of Chicago
Classification: Uncertain significance for Ehlers-Danlos syndrome, kyphoscoliotic type 1. Last evaluated: 2021-03-08. Review status: criteria provided, single submitter. Criteria: ACMG Guidelines, 2015. Collection method: clinical testing. Allele origin: germline.
Comment: PLOD1 NM_000302.3 exon 18 p.Val643Ile (c.1927G>A): This variant has been reported in the literature in one individual with high myopia (Kloss 2017 PMID:28384719). However, this variant is also present in 0.1% (75/68026) of European alleles in the Genome Aggregation Database. This variant is present in ClinVar (Variation ID:263957). Evolutionary conservation and computational predictive tools suggest that this variant may impact the protein. In summary, data on this variant is insufficient for disease classification. Therefore, the clinical significance of this variant is uncertain.

GeneDx
Classification: Likely benign. Last evaluated: 2020-12-24. Review status: criteria provided, single submitter. Criteria: GeneDx Variant Classification Process June 2021. Collection method: clinical testing. Allele origin: germline. Affected: yes.
Comment: This variant is associated with the following publications: (PMID: 28384719)

Illumina Laboratory Services, Illumina
Classification: Uncertain significance for Ehlers-Danlos syndrome, kyphoscoliotic type 1. Last evaluated: 2018-01-12. Review status: criteria provided, single submitter. Criteria: ICSL Variant Classification Criteria 13 December 2019. Collection method: clinical testing. Allele origin: germline.

Literature cited by the submitters: PubMed 28384719 (cited by 3 submitters); PubMed 37012328 (cited by Women's Health and Genetics/Laboratory Corporation of America, LabCorp); PubMed 29590070 (cited by Mayo Clinic Laboratories, Mayo Clinic); PubMed 32720365 (cited by Mayo Clinic Laboratories, Mayo Clinic); PubMed 36495030 (cited by Mayo Clinic Laboratories, Mayo Clinic).